The following is an entry in ClinVar:

NM_001358530.2(MOCS1):c.950G>T (p.Arg317Leu)

Gene: MOCS1 (molybdenum cofactor synthesis 1; minus strand). Cytogenetic location: 6p21.2.
Variant type: single nucleotide variant.
Coding change: c.950G>T on transcript NM_001358530.2 (MANE Select); coding-DNA position 950, G replaced by T.
Protein change: p.Arg317Leu; replaces arginine 317 with leucine.
Molecular consequence: missense variant. On other transcripts: non-coding transcript variant (1).
Genome position (GRCh38, 1-based): chr6:39,912,295, C>A on the plus strand (G>T on the coding strand, the complement: MOCS1 is on the minus strand). VCF-style: chr6-39912295-C-A. GRCh37 (hg19) VCF-style: chr6-39880039-C-A.
Other names: c.950G>T, p.Arg317Leu (NM_001075098.4, NM_001358529.2, NM_005943.6); c.689G>T, p.Arg230Leu (NM_001358531.2, NM_001358533.2, NM_001358534.2); c.950G>T (NM_005943.5); short protein forms R230L, R317L.
Identifiers: ClinVar variation 1401810 (VCV001401810.7), dbSNP rs756158164, ClinGen allele CA364043000.

ClinVar aggregate classification (germline): Uncertain significance. Review status: criteria provided, multiple submitters, no conflicts (2 of 4 stars). 2 submissions from 2 submitters: Uncertain significance (2). Last evaluated 2025-01-19.

Conditions:
Inborn genetic diseases. Identifiers: MedGen C0950123, MeSH D030342.
Sulfite oxidase deficiency due to molybdenum cofactor deficiency type A. Also called: Molybdenum cofactor deficiency, complementation group A; Molybdenum Cofactor Deficiency A. Identifiers: Orphanet 308386, Orphanet 833, MedGen C1854988, MONDO:0009643, OMIM 252150.

Submissions (2):

Ambry Genetics
Classification: Uncertain significance for Inborn genetic diseases. Last evaluated: 2025-01-19. Review status: criteria provided, single submitter. Criteria: Ambry Variant Classification Scheme 2023. Collection method: clinical testing. Allele origin: germline.

Labcorp Genetics (formerly Invitae), Labcorp
Classification: Uncertain significance for Sulfite oxidase deficiency due to molybdenum cofactor deficiency type A. Last evaluated: 2024-06-04. Review status: criteria provided, single submitter. Criteria: Invitae Variant Classification Sherloc (09022015). Collection method: clinical testing. Allele origin: germline.
Comment: This sequence change replaces arginine, which is basic and polar, with leucine, which is neutral and non-polar, at codon 317 of the MOCS1 protein (p.Arg317Leu). This variant is present in population databases (no rsID available, gnomAD 0.003%). This variant has not been reported in the literature in individuals affected with MOCS1-related conditions. ClinVar contains an entry for this variant (Variation ID: 1401810). An algorithm developed to predict the effect of missense changes on protein structure and function (PolyPhen-2) suggests that this variant is likely to be disruptive. This variant disrupts the p.Arg317 amino acid residue in MOCS1. Other variant(s) that disrupt this residue have been determined to be pathogenic (PMID: 29274890, 30695801). This suggests that this residue is clinically significant, and that variants that disrupt this residue are likely to be disease-causing. In summary, the available evidence is currently insufficient to determine the role of this variant in disease. Therefore, it has been classified as a Variant of Uncertain Significance.

Literature cited by the submitters: PubMed 29274890 (cited by Labcorp Genetics (formerly Invitae), Labcorp); PubMed 30695801 (cited by Labcorp Genetics (formerly Invitae), Labcorp).